The following is an entry in ClinVar:

ClinVar aggregate classification (germline): Likely benign (1 of 4 stars; one submission).

Conditions:
Porphobilinogen synthase deficiency. Also called: ALAD DEFICIENCY; DELTA-AMINOLEVULINATE DEHYDRATASE DEFICIENCY; DOSS PORPHYRIA; PORPHYRIA, ALAD; Porphyria due to ALA dehydratase deficiency. Identifiers: Orphanet 100924, MedGen C0268328, MONDO:0013000, OMIM 612740.

Allele frequency attached by ClinVar (database versions not stated): gnomAD 0.00023 and 0.00036; TOPMed 0.00042; 1000 Genomes Project 30x 0.00281; 1000 Genomes Project 0.00300.

Submission:

Illumina Laboratory Services, Illumina
Classification: Likely benign for Porphobilinogen synthase deficiency. Last evaluated: 2018-01-13. Review status: criteria provided, single submitter. Criteria: ICSL Variant Classification Criteria 13 December 2019. Collection method: clinical testing. Allele origin: germline.
Comment: This variant was observed in the ICSL laboratory as part of a predisposition screen in an ostensibly healthy population. It had not been previously curated by ICSL or reported in the Human Gene Mutation Database (HGMD: prior to June 1st, 2018), and was therefore a candidate for classification through an automated scoring system. Utilizing variant allele frequency, disease prevalence and penetrance estimates, and inheritance mode, an automated score was calculated to assess if this variant is too frequent to cause the disease. Based on the score and internal cut-off values, a variant classified as likely benign is not then subjected to further curation. The score for this variant resulted in a classification of likely benign for this disease.

NM_000031.6(ALAD):c.*1381G>A

Gene: ALAD (aminolevulinate dehydratase; minus strand). Cytogenetic location: 9q32.
Variant type: single nucleotide variant.
Coding change: c.*1381G>A on transcript NM_000031.6 (MANE Select); 1381 bases downstream of the stop codon, G replaced by A.
Molecular consequence: 3 prime UTR variant.
Genome position (GRCh38, 1-based): chr9:113,386,919, C>T on the plus strand (G>A on the coding strand, the complement: ALAD is on the minus strand). VCF-style: chr9-113386919-C-T. GRCh37 (hg19) VCF-style: chr9-116149199-C-T.
Other names: c.*1381G>A (NM_001003945.3, NM_001317745.2).
Identifiers: ClinVar variation 914515 (VCV000914515.4), dbSNP rs140946306, ClinGen allele CA198542072.
Genomic context (GRCh38, chr9:113,386,919, plus strand): 5'-CCATCTCAGTAAATGGCCCATCAGCCACCCAGAAGGTCAAGCCAGATTCATCCTTCACAT[C>T]GAATCTACCTTCTAAACACATCCACAATCCATTCCCCTTTCTCCATCCCCACTGTCCCCG-3'